The following is an entry in ClinVar:

NM_000152.5(GAA):c.*2C>T

Gene: GAA (alpha glucosidase; plus strand). Cytogenetic location: 17q25.3.
Variant type: single nucleotide variant.
Coding change: c.*2C>T on transcript NM_000152.5 (MANE Select); 2 bases downstream of the stop codon, C replaced by T.
Molecular consequence: 3 prime UTR variant.
Genome position (GRCh38, 1-based): chr17:80,119,333, C>T. VCF-style: chr17-80119333-C-T. GRCh37 (hg19) VCF-style: chr17-78093132-C-T.
Other names: c.*2C>T (NM_001079803.3, NM_001079804.3).
Identifiers: ClinVar variation 992151 (VCV000992151.3), dbSNP rs761162129, ClinGen allele CA8815893.

ClinVar aggregate classification (germline): Uncertain significance. Review status: criteria provided, single submitter (1 of 4 stars). 2 submissions from 2 submitters: Uncertain significance (1). 1 of the submissions does not count toward it. Last evaluated 2019-10-25.

Conditions:
Glycogen storage disease, type II (IOPD). Also called: Glycogen storage disease type 2; Acid maltase deficiency disease; Aglucosidase alfa; Deficiency of alpha-glucosidase; Deficiency of lysosomal alpha-glucosidase; Pompe Disease. Identifiers: Orphanet 365, MedGen C0017921, MONDO:0009290, OMIM 232300.

Allele frequency attached by ClinVar (database versions not stated): gnomAD exomes 0.00005 and 0.00011; TOPMed 0.00006; ExAC 0.00008; gnomAD 0.00012 and 0.00013.
gnomAD v4.1: 97 of 1,613,298 alleles (0.006%); highest among the groups gnomAD compares: Admixed American, 0.0033%; 1 homozygote.

Submissions (2):

GeneDx
Classification: Uncertain significance. Last evaluated: 2019-10-25. Review status: criteria provided, single submitter. Criteria: GeneDx Variant Classification Process June 2021. Collection method: clinical testing. Allele origin: germline. Affected: yes.
Comment: Has not been previously published as pathogenic or benign to our knowledge

Natera, Inc.
Classification: Uncertain significance for Glycogen storage disease type II. Last evaluated: 2020-08-15. Review status: no assertion criteria provided. Collection method: clinical testing. Allele origin: germline. Not counted in ClinVar's aggregate classification.